The following is an entry in ClinVar:

ClinVar aggregate classification (germline): Uncertain significance (1 of 4 stars; one submission).

Conditions:
Cohen syndrome (COH1). Also called: PEPPER SYNDROME; Cutis verticis gyrata, retinitis pigmentosa, and sensorineural deafness. Identifiers: Orphanet 193, MedGen C0265223, MONDO:0008999, OMIM 216550.

Allele frequency attached by ClinVar (database versions not stated): gnomAD exomes below 0.00001; ESP Exome Variant Server 0.00008.
gnomAD v4.1: 1 of 1,614,120 alleles (0.000062%); highest among the groups gnomAD compares: Non-Finnish European, 0.000085%; no homozygotes.

Submission:

Labcorp Genetics (formerly Invitae), Labcorp
Classification: Uncertain significance for Cohen syndrome. Last evaluated: 2021-08-04. Review status: criteria provided, single submitter. Criteria: Invitae Variant Classification Sherloc (09022015). Collection method: clinical testing. Allele origin: germline.
Comment: This sequence change replaces proline with leucine at codon 342 of the VPS13B protein (p.Pro342Leu). The proline residue is weakly conserved and there is a moderate physicochemical difference between proline and leucine. This variant is not present in population databases (ExAC no frequency). This variant has not been reported in the literature in individuals affected with VPS13B-related conditions. Algorithms developed to predict the effect of missense changes on protein structure and function are either unavailable or do not agree on the potential impact of this missense change (SIFT: "Not Available"; PolyPhen-2: "Benign"; Align-GVGD: "Not Available"). In summary, the available evidence is currently insufficient to determine the role of this variant in disease. Therefore, it has been classified as a Variant of Uncertain Significance.

NM_152564.5(VPS13B):c.1025C>T (p.Pro342Leu)

Gene: VPS13B (vacuolar protein sorting 13 homolog B; plus strand). Cytogenetic location: 8q22.2.
Variant type: single nucleotide variant.
Coding change: c.1025C>T on transcript NM_152564.5 (MANE Select); coding-DNA position 1025, C replaced by T.
Protein change: p.Pro342Leu; replaces proline 342 with leucine.
Molecular consequence: missense variant. On other transcripts: non-coding transcript variant (1).
Genome position (GRCh38, 1-based): chr8:99,121,264, C>T. VCF-style: chr8-99121264-C-T. GRCh37 (hg19) VCF-style: chr8-100133492-C-T.
Other names: c.1025C>T, p.Pro342Leu (NM_015243.3, NM_017890.5, NM_181661.3); short protein forms P342L.
Identifiers: ClinVar variation 1510223 (VCV001510223.3), dbSNP rs138271331, ClinGen allele CA182885972.